The following is an entry in ClinVar:

NM_004656.4(BAP1):c.68-2A>C

Gene: BAP1 (BRCA1 associated deubiquitinase 1; minus strand). Cytogenetic location: 3p21.1.
Variant type: single nucleotide variant.
Coding change: c.68-2A>C on transcript NM_004656.4 (MANE Select); the canonical splice acceptor site of the intron before coding-DNA position 68, A replaced by C.
Molecular consequence: splice acceptor variant.
Genome position (GRCh38, 1-based): chr3:52,409,610, T>G on the plus strand (A>C on the coding strand, the complement: BAP1 is on the minus strand). VCF-style: chr3-52409610-T-G. GRCh37 (hg19) VCF-style: chr3-52443626-T-G.
Other names: c.68-2A>C (NM_001410772.1).
Identifiers: ClinVar variation 2583603 (VCV002583603.2), dbSNP rs2153228558, ClinGen allele CA353114769.
Genomic context (GRCh38, chr3:52,409,610, plus strand): 5'-TCACCCCTGACATTTGCTCTGAAGGTCGTAGATCTCCTCCACTTGCACCCCCTTGACACC[T>G]GCGATGAGGAAAGGAAAGCAGTAGGGAAGGACAGCCCCTGATGAGTGAGGGCGCAGGGGT-3'

ClinVar aggregate classification (germline): Likely pathogenic (1 of 4 stars; one submission).

Conditions:
BAP1-related tumor predisposition syndrome (TPDS1). Also called: BAP1 tumor predisposition syndrome; Tumor susceptibility linked to germline BAP1 mutations; COMMON Syndrome; TUMOR PREDISPOSITION SYNDROME 1. Identifiers: Orphanet 289539, MedGen C3280492, MONDO:0013692, OMIM 614327.

Submission:

Myriad Genetics, Inc.
Classification: Likely pathogenic for BAP1-related tumor predisposition syndrome. Last evaluated: 2023-05-17. Review status: criteria provided, single submitter. Criteria: Myriad Autosomal Dominant, Autosomal Recessive and X-Linked Classification Criteria (2023). Collection method: clinical testing. Allele origin: unknown.
Comment: This variant is considered likely pathogenic. This variant occurs within a consensus splice junction and is predicted to result in abnormal mRNA splicing of either an out-of-frame exon or an in-frame exon necessary for protein stability and/or normal function.